The following is an entry in ClinVar:

ClinVar aggregate classification (germline): Uncertain significance (1 of 4 stars; one submission).

Allele frequency attached by ClinVar (database versions not stated): gnomAD exomes below 0.00001; gnomAD 0.00001; TOPMed 0.00001.
gnomAD v4.1: 9 of 1,614,090 alleles (0.00056%); highest among the groups gnomAD compares: Non-Finnish European, 0.00068%; no homozygotes.

Submission:

Labcorp Genetics (formerly Invitae), Labcorp
Classification: Uncertain significance. Last evaluated: 2022-08-19. Review status: criteria provided, single submitter. Criteria: Invitae Variant Classification Sherloc (09022015). Collection method: clinical testing. Allele origin: germline.
Comment: This sequence change replaces valine, which is neutral and non-polar, with alanine, which is neutral and non-polar, at codon 243 of the MCM2 protein (p.Val243Ala). This variant is not present in population databases (gnomAD no frequency). This variant has not been reported in the literature in individuals affected with MCM2-related conditions. Algorithms developed to predict the effect of missense changes on protein structure and function (SIFT, PolyPhen-2, Align-GVGD) all suggest that this variant is likely to be tolerated. In summary, the available evidence is currently insufficient to determine the role of this variant in disease. Therefore, it has been classified as a Variant of Uncertain Significance.

NM_004526.4(MCM2):c.728T>C (p.Val243Ala)

Gene: MCM2 (minichromosome maintenance complex component 2; plus strand). Cytogenetic location: 3q21.3.
Variant type: single nucleotide variant.
Coding change: c.728T>C on transcript NM_004526.4 (MANE Select); coding-DNA position 728, T replaced by C.
Protein change: p.Val243Ala; replaces valine 243 with alanine.
Molecular consequence: missense variant. On other transcripts: non-coding transcript variant (1).
Genome position (GRCh38, 1-based): chr3:127,606,172, T>C. VCF-style: chr3-127606172-T-C. GRCh37 (hg19) VCF-style: chr3-127325015-T-C.
Other names: short protein forms V243A.
Identifiers: ClinVar variation 1716727 (VCV001716727.5), dbSNP rs761634324, ClinGen allele CA83309038.